The following is an entry in ClinVar:

ClinVar aggregate classification (germline): Benign/Likely benign. Review status: criteria provided, multiple submitters, no conflicts (2 of 4 stars). 3 submissions from 3 submitters: Benign (1); Likely benign (2). Last evaluated 2018-06-14.

Conditions:
Rhizomelic chondrodysplasia punctata type 2 (RCDP2). Also called: DIHYDROXYACETONEPHOSPHATE ACYLTRANSFERASE DEFICIENCY; glyceronephosphate O-acyltransferase (GNPAT) deficiency; Glyceronephosphate O-acyltransferase deficiency; DHAPAT DEFICIENCY; PEROXISOMAL DIHYDROXYACETONEPHOSPHATE ACYLTRANSFERASE DEFICIENCY; Chondrodysplasia punctata, rhizomelic, due to dihydroxyacetonephosphate acyltransferase deficiency. Identifiers: Orphanet 177, Orphanet 309796, MedGen C1857242, MONDO:0100273, OMIM 222765. Disease mechanism: loss of function.

Allele frequency attached by ClinVar (database versions not stated): gnomAD 0.01229; 1000 Genomes Project 30x 0.01686; TOPMed 0.01301; 1000 Genomes Project 0.01657.
gnomAD v4.1: 3,293 of 1,421,962 alleles (0.23%); highest among the groups gnomAD compares: African/African-American, 4.2%; 66 homozygotes.

Submissions (3):

GeneDx
Classification: Likely benign. Last evaluated: 2018-06-14. Review status: criteria provided, single submitter. Criteria: GeneDx Variant Classification (06012015). Collection method: clinical testing. Allele origin: germline. Affected: yes.
Comment: This variant is considered likely benign or benign based on one or more of the following criteria: it is a conservative change, it occurs at a poorly conserved position in the protein, it is predicted to be benign by multiple in silico algorithms, and/or has population frequency not consistent with disease.

Illumina Laboratory Services, Illumina
Classification: Benign for Rhizomelic chondrodysplasia punctata type 2. Last evaluated: 2018-01-13. Review status: criteria provided, single submitter. Criteria: ICSL Variant Classification Criteria 13 December 2019. Collection method: clinical testing. Allele origin: germline.
Comment: This variant was observed in the ICSL laboratory as part of a predisposition screen in an ostensibly healthy population. It had not been previously curated by ICSL or reported in the Human Gene Mutation Database (HGMD: prior to June 1st, 2018), and was therefore a candidate for classification through an automated scoring system. Utilizing variant allele frequency, disease prevalence and penetrance estimates, and inheritance mode, an automated score was calculated to assess if this variant is too frequent to cause the disease. Based on the score and internal cut-off values, a variant classified as benign is not then subjected to further curation. The score for this variant resulted in a classification of benign for this disease.

Breakthrough Genomics
Classification: Likely benign. Review status: criteria provided, single submitter. Criteria: ACMG Guidelines, 2015. Collection method: not provided. Allele origin: germline. Inheritance: Autosomal recessive inheritance. Affected: yes.

NM_014236.4(GNPAT):c.-84C>T

Gene: GNPAT (glyceronephosphate O-acyltransferase; plus strand). Cytogenetic location: 1q42.2.
Variant type: single nucleotide variant.
Coding change: c.-84C>T on transcript NM_014236.4 (MANE Select); 84 bases upstream of the start codon, C replaced by T.
Molecular consequence: 5 prime UTR variant.
Genome position (GRCh38, 1-based): chr1:231,241,295, C>T. VCF-style: chr1-231241295-C-T. GRCh37 (hg19) VCF-style: chr1-231377041-C-T.
Other names: c.-84C>T (NM_001316350.2).
Identifiers: ClinVar variation 296105 (VCV000296105.7), dbSNP rs112452735, ClinGen allele CA10610239.